The following is an entry in ClinVar:

NM_001134363.3(RBM20):c.2336C>T (p.Pro779Leu)

Gene: RBM20 (RNA binding motif protein 20; plus strand). Cytogenetic location: 10q25.2.
Variant type: single nucleotide variant.
Coding change: c.2336C>T on transcript NM_001134363.3 (MANE Select); coding-DNA position 2336, C replaced by T.
Protein change: p.Pro779Leu; replaces proline 779 with leucine.
Molecular consequence: missense variant.
Genome position (GRCh38, 1-based): chr10:110,812,733, C>T. VCF-style: chr10-110812733-C-T. GRCh37 (hg19) VCF-style: chr10-112572491-C-T.
Other names: short protein forms P779L.
Identifiers: ClinVar variation 2735878 (VCV002735878.3), dbSNP rs2493475365, ClinGen allele CA378373426.

ClinVar aggregate classification (germline): Uncertain significance (1 of 4 stars; one submission).

Conditions:
Dilated cardiomyopathy 1DD (CMD1DD). Identifiers: Orphanet 154, MedGen C2750995, MONDO:0013168, OMIM 613172.

Allele frequency attached by ClinVar (database versions not stated): gnomAD exomes below 0.00001.
gnomAD v4.1: 1 of 1,551,694 alleles (0.000064%); highest among the groups gnomAD compares: African/African-American, 0.0014%; no homozygotes.

Submission:

Labcorp Genetics (formerly Invitae), Labcorp
Classification: Uncertain significance for Dilated cardiomyopathy 1DD. Last evaluated: 2023-07-14. Review status: criteria provided, single submitter. Criteria: Invitae Variant Classification Sherloc (09022015). Collection method: clinical testing. Allele origin: germline.
Comment: This sequence change replaces proline, which is neutral and non-polar, with leucine, which is neutral and non-polar, at codon 779 of the RBM20 protein (p.Pro779Leu). This variant is not present in population databases (gnomAD no frequency). This variant has not been reported in the literature in individuals affected with RBM20-related conditions. Advanced modeling of protein sequence and biophysical properties (such as structural, functional, and spatial information, amino acid conservation, physicochemical variation, residue mobility, and thermodynamic stability) performed at Invitae indicates that this missense variant is not expected to disrupt RBM20 protein function. In summary, the available evidence is currently insufficient to determine the role of this variant in disease. Therefore, it has been classified as a Variant of Uncertain Significance.